The following is an entry in ClinVar:

ClinVar aggregate classification (germline): Uncertain significance. Review status: criteria provided, multiple submitters, no conflicts (2 of 4 stars). 3 submissions from 3 submitters: Uncertain significance (2). 1 of the submissions does not count toward it. Last evaluated 2025-07-29.

Conditions:
Neurofibromatosis, type 1 (NF1). Also called: Peripheral type neurofibromatosis; Neurofibromatosis, type I; VON RECKLINGHAUSEN DISEASE; NEUROFIBROMATOSIS, TYPE I, SOMATIC. Identifiers: Orphanet 636, MedGen C0027831, MONDO:0018975, OMIM 162200. Disease mechanism: loss of function.
Hereditary cancer-predisposing syndrome. Also called: Hereditary neoplastic syndrome; Neoplastic Syndromes, Hereditary; Hereditary Cancer Syndrome; Tumor predisposition. Identifiers: Orphanet 140162, MedGen C0027672, MeSH D009386, MONDO:0015356.
Cardiovascular phenotype. Identifiers: MedGen CN230736.

Allele frequency attached by ClinVar (database versions not stated): gnomAD exomes below 0.00001.
gnomAD v4.1: 1 of 1,613,438 alleles (0.000062%); highest among the groups gnomAD compares: East Asian, 0.0022%; no homozygotes.

Submissions (3):

Ambry Genetics
Classification: Uncertain significance for Cardiovascular phenotype; Hereditary cancer-predisposing syndrome. Last evaluated: 2025-07-29. Review status: criteria provided, single submitter. Criteria: Ambry Variant Classification Scheme 2023. Collection method: clinical testing. Allele origin: germline.
Comment: The p.G629R variant (also known as c.1885G>C), located in coding exon 17 of the NF1 gene, results from a G to C substitution at nucleotide position 1885. The glycine at codon 629 is replaced by arginine, an amino acid with dissimilar properties. This variant was reported in individual(s) with features consistent with neurofibromatosis type 1 (Mudau MM et al. Front Genet, 2024 Mar;15:1331278). This amino acid position is highly conserved in available vertebrate species. In addition, the in silico prediction for this alteration is inconclusive. Based on the available evidence, the clinical significance of this variant remains unclear.

Labcorp Genetics (formerly Invitae), Labcorp
Classification: Uncertain significance for Neurofibromatosis, type 1. Last evaluated: 2021-10-18. Review status: criteria provided, single submitter. Criteria: Invitae Variant Classification Sherloc (09022015). Collection method: clinical testing. Allele origin: germline.
Comment: In summary, the available evidence is currently insufficient to determine the role of this variant in disease. Therefore, it has been classified as a Variant of Uncertain Significance. Advanced modeling of protein sequence and biophysical properties (such as structural, functional, and spatial information, amino acid conservation, physicochemical variation, residue mobility, and thermodynamic stability) performed at Invitae indicates that this missense variant is not expected to disrupt NF1 protein function. This variant has not been reported in the literature in individuals affected with NF1-related conditions. This variant is not present in population databases (ExAC no frequency). This sequence change replaces glycine with arginine at codon 629 of the NF1 protein (p.Gly629Arg). The glycine residue is moderately conserved and there is a moderate physicochemical difference between glycine and arginine. A different nucleotide change at the same nucleotide position (c.1885G>A) resulting in the same protein effect (p.Gly629Arg) has been shown to affect splicing and has been reported as pathogenic (PMID: 12807981, 18546366, 23913538; Invitae). However, the effect of this variant (c.1885G>C) has not been experimentally evaluated and its effect on splicing is unknown. Algorithms developed to predict the effect of sequence changes on RNA splicing suggest that this variant is not likely to affect RNA splicing.

Division of Human Genetics, National Health Laboratory Service/University of the Witwatersrand
Classification: Pathogenic for Neurofibromatosis, type 1. Review status: no assertion criteria provided. Collection method: research. Allele origin: unknown. Affected: yes. Observed: 1 variant allele. Not counted in ClinVar's aggregate classification.

Literature cited by the submitters: PubMed 38596211 (cited by Ambry Genetics); PubMed 12807981 (cited by Labcorp Genetics (formerly Invitae), Labcorp); PubMed 18546366 (cited by Labcorp Genetics (formerly Invitae), Labcorp); PubMed 23913538 (cited by Labcorp Genetics (formerly Invitae), Labcorp).

NM_001042492.3(NF1):c.1885G>C (p.Gly629Arg)

Gene: NF1 (neurofibromin 1; plus strand). Cytogenetic location: 17q11.2.
Variant type: single nucleotide variant.
Coding change: c.1885G>C on transcript NM_001042492.3 (MANE Select); coding-DNA position 1885, G replaced by C.
Protein change: p.Gly629Arg; replaces glycine 629 with arginine.
Molecular consequence: missense variant.
Genome position (GRCh38, 1-based): chr17:31,225,134, G>C. VCF-style: chr17-31225134-G-C. GRCh37 (hg19) VCF-style: chr17-29552152-G-C.
Other names: c.1885G>C, p.Gly629Arg (NM_000267.4); short protein forms G629R.
Identifiers: ClinVar variation 1410579 (VCV001410579.7), dbSNP rs199474738, ClinGen allele CA399005175.